The following is an entry in ClinVar:

ClinVar aggregate classification (germline): Uncertain significance (1 of 4 stars; one submission).

Conditions:
Breast-ovarian cancer, familial, susceptibility to, 2 (BROVCA2). Also called: BRCA2 Hereditary Breast and Ovarian Cancer. Identifiers: Orphanet 145, MedGen C2675520, MONDO:0012933, OMIM 612555. Disease mechanism: loss of function.

Submission:

St. Jude Molecular Pathology, St. Jude Children's Research Hospital
Classification: Uncertain significance for Breast-ovarian cancer, familial, susceptibility to, 2. Last evaluated: 2025-06-17. Review status: criteria provided, single submitter. Criteria: St. Jude Assertion Criteria 2020. Collection method: clinical testing. Allele origin: germline.
Comment: The BRCA2 c.8344A>C p.(Ser2782Arg) missense change is absent in gnomAD v2.1.1. The in silico tool BayesDel predicts a deleterious effect on protein function, but to our knowledge this prediction has not been confirmed by functional studies. To our knowledge, this variant has not been reported in individuals with BRCA2-related disease. In summary, the evidence currently available is insufficient to determine the clinical significance of this variant. It has therefore been classified as of uncertain significance.

NM_000059.4(BRCA2):c.8344A>C (p.Ser2782Arg)

Gene: BRCA2 (BRCA2 DNA repair associated; plus strand). Cytogenetic location: 13q13.1.
Variant type: single nucleotide variant.
Coding change: c.8344A>C on transcript NM_000059.4 (MANE Select); coding-DNA position 8344, A replaced by C.
Protein change: p.Ser2782Arg; replaces serine 2782 with arginine.
Molecular consequence: missense variant. On other transcripts: non-coding transcript variant (1).
Genome position (GRCh38, 1-based): chr13:32,370,414, A>C. VCF-style: chr13-32370414-A-C. GRCh37 (hg19) VCF-style: chr13-32944551-A-C.
Other names: c.8248A>C, p.Ser2750Arg (NM_001406719.1); c.8344A>C, p.Ser2782Arg (NM_001406720.1, NM_001432077.1); c.3412A>C, p.Ser1138Arg (NM_001406721.1); c.1927A>C, p.Ser643Arg (NM_001406722.1); short protein forms S2750R, S1138R, S2782R, S643R.
Identifiers: ClinVar variation 4056110 (VCV004056110.2).
Genomic context (GRCh38, chr13:32,370,414, plus strand): 5'-TGAATACATATTTAACTACTAAATCAATATATTTATTAATTTGTCCAGATTTCTGCTAAC[A>C]GTACTCGGCCTGCTCGCTGGTATACCAAACTTGGATTCTTTCCTGACCCTAGACCTTTTC-3'
Protein context (NP_000050.3, residues 2772-2792): ESLMLKISAN[Ser2782Arg]TRPARWYTKL